The following is an entry in ClinVar:

NM_001943.5(DSG2):c.2232C>G (p.Thr744=)

Genes: DSG2 (desmoglein 2; plus strand), DSG2-AS1 (DSG2 antisense RNA 1; minus strand). Cytogenetic location: 18q12.1.
Variant type: single nucleotide variant.
Coding change: c.2232C>G on transcript NM_001943.5 (MANE Select); coding-DNA position 2232, C replaced by G.
Protein change: p.Thr744=; no amino-acid change (threonine 744 retained).
Molecular consequence: synonymous variant.
Genome position (GRCh38, 1-based): chr18:31,542,750, C>G. VCF-style: chr18-31542750-C-G. GRCh37 (hg19) VCF-style: chr18-29122713-C-G.
Identifiers: ClinVar variation 3386599 (VCV003386599.1).

ClinVar aggregate classification (germline): Likely benign (1 of 4 stars; one submission).

Conditions:
Arrhythmogenic right ventricular cardiomyopathy (ARVD). Also called: Arrhythmogenic right ventricular dysplasia; Cardiomyopathy, ARVC; Arrhythmogenic cardiomyopathy; Arrhythmogenic Right Ventricular Cardiomyopathy (ARVC). Identifiers: Orphanet 247, MedGen C0349788, MeSH D019571, MONDO:0016587. Disease mechanism: loss of function. Inheritance: Various modes of inheritance.

Submission:

All of Us Research Program, National Institutes of Health
Classification: Likely benign for Arrhythmogenic right ventricular cardiomyopathy. Last evaluated: 2024-03-24. Review status: criteria provided, single submitter. Criteria: ACMG Guidelines, 2015. Collection method: clinical testing. Allele origin: germline. Inheritance: Autosomal dominant inheritance. Observed: 1 variant allele, 1 heterozygote.
Comment: This study involves interpretation of variants in research participants for the purpose of population health screening. Participant phenotype was not available at the time of variant classification. Additional details can be found in publication PMID: 35346344, PMCID: PMC8962531